The following is an entry in ClinVar:

ClinVar aggregate classification (germline): Pathogenic (1 of 4 stars; one submission).

Conditions:
Neurofibromatosis, type 1 (NF1). Also called: VON RECKLINGHAUSEN DISEASE; Peripheral type neurofibromatosis; NEUROFIBROMATOSIS, TYPE I, SOMATIC; Neurofibromatosis, type I. Identifiers: Orphanet 636, MedGen C0027831, MONDO:0018975, OMIM 162200. Disease mechanism: loss of function.

Submission:

Labcorp Genetics (formerly Invitae), Labcorp
Classification: Pathogenic for Neurofibromatosis, type 1. Last evaluated: 2020-10-08. Review status: criteria provided, single submitter. Criteria: Invitae Variant Classification Sherloc (09022015). Collection method: clinical testing. Allele origin: germline.
Comment: For these reasons, this variant has been classified as Pathogenic. Loss-of-function variants in NF1 are known to be pathogenic (PMID: 10712197, 23913538). This variant has not been reported in the literature in individuals with NF1-related conditions. This variant is not present in population databases (ExAC no frequency). This sequence change creates a premature translational stop signal (p.Leu2324Phefs*3) in the NF1 gene. It is expected to result in an absent or disrupted protein product.

Literature cited by the submitters: PubMed 10712197; PubMed 23913538.

NM_001042492.3(NF1):c.7034dup (p.Leu2345fs)

Gene: NF1 (neurofibromin 1; plus strand). Cytogenetic location: 17q11.2.
Variant type: Duplication.
Coding change: c.7034dup on transcript NM_001042492.3 (MANE Select); coding-DNA position 7034, one base duplicated (T; older notation c.7034dupT).
Protein change: p.Leu2345fs; shifts the reading frame from leucine 2345.
Molecular consequence: frameshift variant.
Genome position (GRCh38, 1-based): chr17:31,340,617, T duplicated; the last of 3 consecutive T bases (chr17:31,340,615-31,340,617); duplicating any one gives the same sequence. VCF-style (leftmost placement, unchanged base first): chr17-31340614-C-CT. GRCh37 (hg19) VCF-style: chr17-29667632-C-CT.
Other names: c.6971dup, p.Leu2324Phefs (NM_000267.4); short protein forms L2324fs, L2345fs.
Identifiers: ClinVar variation 1071496 (VCV001071496.5), dbSNP rs2151561907, ClinGen allele CA2499224208.